The following is an entry in ClinVar:

NM_014334.4(FRRS1L):c.-56_-43delinsGG

Gene: FRRS1L (ferric chelate reductase 1 like; minus strand). Cytogenetic location: 9q31.3.
Variant type: Indel.
Coding change: c.-56_-43delinsGG on transcript NM_014334.4 (MANE Select); 56 bases upstream of the start codon through 43 bases upstream of the start codon, CCCGCGGCGCCCCC replaced by GG.
Molecular consequence: 5 prime UTR variant.
Genome position (GRCh38, 1-based): chr9:109,167,181-109,167,194, GGGGGCGCCGCGGG replaced by CC on the plus strand (CCCGCGGCGCCCCC replaced by GG on the coding strand, the reverse complement: FRRS1L is on the minus strand). VCF-style: chr9-109167181-GGGGGCGCCGCGGG-CC. GRCh37 (hg19) VCF-style: chr9-111929461-GGGGGCGCCGCGGG-CC.
Identifiers: ClinVar variation 576567 (VCV000576567.6), dbSNP rs1564238253, ClinGen allele CA891843166.
Genomic context (GRCh38, chr9:109,167,181, plus strand): 5'-CCGGGGCGGCCGCGCCATCCGTGCGCACAGATCCCGCAGCCAGGCCGCTCGGGCCGCAGC[GGGGGCGCCGCGGG>CC]CGCGGGCCGGGACTGAGCCTCCGCCGAGGCCACCAGCACGCGCCCGCGCAGCCGCGGAGC-3'

ClinVar aggregate classification (germline): Uncertain significance (1 of 4 stars; one submission).

Conditions:
Developmental and epileptic encephalopathy, 37 (DEE37). Also called: Epileptic encephalopathy, early infantile, 37. Identifiers: MedGen C4310770, MONDO:0014859, OMIM 616981.

Submission:

Labcorp Genetics (formerly Invitae), Labcorp
Classification: Uncertain significance for Developmental and epileptic encephalopathy, 37. Last evaluated: 2022-06-14. Review status: criteria provided, single submitter. Criteria: Invitae Variant Classification Sherloc (09022015). Collection method: clinical testing. Allele origin: germline.
Comment: Information on the frequency of this variant in the gnomAD database is not available, as this variant may be reported differently in the database. This variant, c.98_111delinsGG, is a complex sequence change that results in the deletion of 5 and insertion of 1 amino acid(s) in the FRRS1L protein (p.Ala33_Pro37delinsGly). This variant has not been reported in the literature in individuals affected with FRRS1L-related conditions. In summary, the available evidence is currently insufficient to determine the role of this variant in disease. Therefore, it has been classified as a Variant of Uncertain Significance. Experimental studies and prediction algorithms are not available or were not evaluated, and the functional significance of this variant is currently unknown.